The following is an entry in ClinVar:

NM_003640.5(ELP1):c.261del (p.Ala88fs)

Gene: ELP1 (elongator acetyltransferase complex subunit 1; minus strand). Cytogenetic location: 9q31.3.
Variant type: Deletion.
Coding change: c.261del on transcript NM_003640.5 (MANE Select); coding-DNA position 261, one base deleted (A; older notation c.261delA).
Protein change: p.Ala88fs; shifts the reading frame from alanine 88.
Molecular consequence: frameshift variant. On other transcripts: 5 prime UTR variant (2).
Genome position (GRCh38, 1-based): chr9:108,929,811, T deleted on the plus strand (A on the coding strand, the reverse complement: ELP1 is on the minus strand). VCF-style (leftmost placement, unchanged base first): chr9-108929810-CT-C. GRCh37 (hg19) VCF-style: chr9-111692090-CT-C.
Other names: c.-82del (NM_001318360.2); c.-599del (NM_001330749.2); short protein forms A88fs.
Identifiers: ClinVar variation 4815201 (VCV004815201.1).

ClinVar aggregate classification (germline): Likely pathogenic (1 of 4 stars; one submission).

Conditions:
Familial dysautonomia. Also called: HSAN III; FD. Identifiers: Orphanet 1764, MedGen C0013364, MONDO:0009131, OMIM 223900. Disease mechanism: loss of function.

Submission:

Natera, Inc.
Classification: Likely pathogenic for Familial dysautonomia. Last evaluated: 2024-04-08. Review status: criteria provided, single submitter. Criteria: Natera Variant Classification Schema (03/2026). Collection method: clinical testing. Allele origin: germline.
Comment: The c.261delA variant in ELP1 is a frameshift variant predicted to shift the reading frame beginning at codon 88 and leads to a stop codon 21 codons downstream. This variant is expected to result in nonsense mediated decay, truncation, or a dysfunctional protein product. This variant is rare in the general population with a frequency below the threshold expected for the associated phenotype(s). Given the available evidence, this variant is classified as Likely Pathogenic.